The following is an entry in ClinVar:

NM_014915.3(ANKRD26):c.640A>G (p.Ser214Gly)

Gene: ANKRD26 (ankyrin repeat domain containing 26; minus strand). Cytogenetic location: 10p12.1.
Variant type: single nucleotide variant.
Coding change: c.640A>G on transcript NM_014915.3 (MANE Select); coding-DNA position 640, A replaced by G.
Protein change: p.Ser214Gly; replaces serine 214 with glycine.
Molecular consequence: missense variant.
Genome position (GRCh38, 1-based): chr10:27,086,608, T>C on the plus strand (A>G on the coding strand, the complement: ANKRD26 is on the minus strand). VCF-style: chr10-27086608-T-C. GRCh37 (hg19) VCF-style: chr10-27375537-T-C.
Other names: c.640A>G, p.Ser214Gly (NM_001256053.2); short protein forms S214G.
Identifiers: ClinVar variation 3915076 (VCV003915076.1).
Genomic context (GRCh38, chr10:27,086,608, plus strand): 5'-TATTTTGAGAAGAATGTTTAGGTATCCTTTCTTCTTTATATTCTGAAATTAGTTGGTGAC[T>C]GCTATGTATAGAAAAATGTAACAAAATTATGTTAATACTGATACAAAAAATATTTACCAA-3'
Protein context (NP_055730.2, residues 204-224): NVNAVDKLES[Ser214Gly]HQLISEYKEE

ClinVar aggregate classification (germline): Uncertain significance (1 of 4 stars; one submission).

Conditions:
Inborn genetic diseases. Identifiers: MedGen C0950123, MeSH D030342.

gnomAD v4.1: 3 of 1,602,104 alleles (0.00019%); highest among the groups gnomAD compares: South Asian, 0.0022%; no homozygotes.

Submission:

Ambry Genetics
Classification: Uncertain significance for Inborn genetic diseases. Last evaluated: 2025-06-06. Review status: criteria provided, single submitter. Criteria: Ambry Variant Classification Scheme 2023. Collection method: clinical testing. Allele origin: germline.
Comment: The p.S214G variant (also known as c.640A>G), located in coding exon 5 of the ANKRD26 gene, results from an A to G substitution at nucleotide position 640. The serine at codon 214 is replaced by glycine, an amino acid with similar properties. This amino acid position is conserved. In addition, this alteration is predicted to be tolerated by in silico analysis. Based on the available evidence, the clinical significance of this variant remains unclear.